The following is an entry in ClinVar:

NM_016417.3(GLRX5):c.88C>T (p.Arg30Trp)

Gene: GLRX5 (glutaredoxin 5; plus strand). Cytogenetic location: 14q32.13.
Variant type: single nucleotide variant.
Coding change: c.88C>T on transcript NM_016417.3 (MANE Select); coding-DNA position 88, C replaced by T.
Protein change: p.Arg30Trp; replaces arginine 30 with tryptophan.
Molecular consequence: missense variant.
Genome position (GRCh38, 1-based): chr14:95,535,177, C>T. VCF-style: chr14-95535177-C-T. GRCh37 (hg19) VCF-style: chr14-96001514-C-T.
Other names: c.88C>T (NM_016417.2); short protein forms R30W.
Identifiers: ClinVar variation 2160844 (VCV002160844.4), dbSNP rs1411372308, ClinGen allele CA390896285.

ClinVar aggregate classification (germline): Uncertain significance. Review status: criteria provided, multiple submitters, no conflicts (2 of 4 stars). 2 submissions from 2 submitters: Uncertain significance (2). Last evaluated 2024-05-02.

Allele frequency attached by ClinVar (database versions not stated): gnomAD 0.00001.
gnomAD v4.1: 38 of 1,466,774 alleles (0.0026%); highest among the groups gnomAD compares: Non-Finnish European, 0.003%; no homozygotes.

Submissions (2):

Ambry Genetics
Classification: Uncertain significance. Last evaluated: 2024-05-02. Review status: criteria provided, single submitter. Criteria: Ambry Variant Classification Scheme 2023. Collection method: clinical testing. Allele origin: germline.

Labcorp Genetics (formerly Invitae), Labcorp
Classification: Uncertain significance. Last evaluated: 2022-04-10. Review status: criteria provided, single submitter. Criteria: Invitae Variant Classification Sherloc (09022015). Collection method: clinical testing. Allele origin: germline.
Comment: In summary, the available evidence is currently insufficient to determine the role of this variant in disease. Therefore, it has been classified as a Variant of Uncertain Significance. Algorithms developed to predict the effect of missense changes on protein structure and function are either unavailable or do not agree on the potential impact of this missense change (SIFT: "Deleterious"; PolyPhen-2: "Not Available"; Align-GVGD: "Class C0"). This variant has not been reported in the literature in individuals affected with GLRX5-related conditions. This variant is not present in population databases (gnomAD no frequency). This sequence change replaces arginine, which is basic and polar, with tryptophan, which is neutral and slightly polar, at codon 30 of the GLRX5 protein (p.Arg30Trp).